The following is an entry in ClinVar:

ClinVar aggregate classification (germline): Pathogenic (1 of 4 stars; one submission).

Conditions:
Usher syndrome type 2A. Also called: RETINAL DISEASE IN USHER SYNDROME TYPE IIA, MODIFIER OF; USHER SYNDROME, TYPE IIA. Identifiers: Orphanet 231178, Orphanet 886, MedGen C1848634, MONDO:0010169, OMIM 276901.

Submission:

Natera, Inc.
Classification: Pathogenic for Usher syndrome type 2A. Last evaluated: 2024-08-19. Review status: criteria provided, single submitter. Criteria: Natera Variant Classification Schema (03/2026). Collection method: clinical testing. Allele origin: germline.
Comment: The c.5907C>G variant in USH2A is a nonsense variant predicted to introduce a stop codon at amino acid 1969. This variant is expected to result in nonsense mediated decay, truncation, or a dysfunctional protein product. This variant is rare in the general population with a frequency below the threshold expected for the associated phenotype(s). This variant has been observed in one or more individuals affected with the associated recessive disease, as either homozygous or compound heterozygous with a second variant (PMID: 33851411, 38987893). Given the available evidence, this variant is classified as Pathogenic.

Literature cited by the submitters: PubMed 33851411; PubMed 38987893.

NM_206933.4(USH2A):c.5907C>G (p.Tyr1969Ter)

Gene: USH2A (usherin; minus strand). Cytogenetic location: 1q41.
Variant type: single nucleotide variant.
Coding change: c.5907C>G on transcript NM_206933.4 (MANE Select); coding-DNA position 5907, C replaced by G.
Protein change: p.Tyr1969Ter; replaces tyrosine 1969 with a stop codon.
Molecular consequence: nonsense.
Genome position (GRCh38, 1-based): chr1:216,070,243, G>C on the plus strand (C>G on the coding strand, the complement: USH2A is on the minus strand). VCF-style: chr1-216070243-G-C. GRCh37 (hg19) VCF-style: chr1-216243585-G-C.
Other names: short protein forms Y1969*.
Identifiers: ClinVar variation 4817133 (VCV004817133.1).